The following is an entry in ClinVar:

NM_000302.4(PLOD1):c.1471-9C>G

Gene: PLOD1 (procollagen-lysine,2-oxoglutarate 5-dioxygenase 1; plus strand). Cytogenetic location: 1p36.22.
Variant type: single nucleotide variant.
Coding change: c.1471-9C>G on transcript NM_000302.4 (MANE Select); 9 bases into the intron before coding-DNA position 1471, C replaced by G.
Molecular consequence: intron variant.
Genome position (GRCh38, 1-based): chr1:11,965,471, C>G. VCF-style: chr1-11965471-C-G. GRCh37 (hg19) VCF-style: chr1-12025528-C-G.
Other names: p.?; c.1612-9C>G (NM_001316320.2).
Identifiers: ClinVar variation 777071 (VCV000777071.9), dbSNP rs376476977, ClinGen allele CA598420.

ClinVar aggregate classification (germline): Likely benign. Review status: criteria provided, multiple submitters, no conflicts (2 of 4 stars). 5 submissions from 5 submitters: Likely benign (5). Last evaluated 2026-03-27.

Conditions:
Ehlers-Danlos syndrome, kyphoscoliotic type 1 (EDSKSCL1). Also called: EHLERS-DANLOS SYNDROME, TYPE VIA; PLOD1-Related Kyphoscoliotic Ehlers-Danlos Syndrome; EHLERS-DANLOS SYNDROME, OCULAR-SCOLIOTIC TYPE; Ehlers-Danlos syndrome, hydroxylysine-deficient. Identifiers: Orphanet 1900, MedGen C0268342, MONDO:0016002, OMIM 225400. Disease mechanism: loss of function.

Allele frequency attached by ClinVar (database versions not stated): 1000 Genomes Project 30x 0.00016; 1000 Genomes Project 0.00020; TOPMed 0.00025; gnomAD exomes 0.00028; gnomAD 0.00029.
gnomAD v4.1: 379 of 1,573,160 alleles (0.024%); highest among the groups gnomAD compares: Admixed American, 0.063%; no homozygotes.

Submissions (6):

Molecular Diagnostic Laboratory for Inherited Cardiovascular Disease, Montreal Heart Institute
Classification: Likely benign. Last evaluated: 2026-03-27. Review status: criteria provided, single submitter. Criteria: ACMG Guidelines, 2015. Collection method: clinical testing. Allele origin: germline. Affected: no.
Comment: BS1

Mayo Clinic Laboratories, Mayo Clinic
Classification: Likely benign. Last evaluated: 2025-03-19. Review status: criteria provided, single submitter. Criteria: ACMG Guidelines, 2015. Collection method: clinical testing. Allele origin: germline. Observed: 1 variant allele.
Comment: BP4, BP7

Blueprint Genetics
Classification: Likely benign. Last evaluated: 2024-05-29. Review status: criteria provided, single submitter. Criteria: ACMG Guidelines, 2015. Collection method: clinical testing. Allele origin: germline.

ARUP Laboratories, Molecular Genetics and Genomics, ARUP Laboratories
Classification: Likely benign for Ehlers-Danlos syndrome, kyphoscoliotic type 1. Last evaluated: 2023-01-03. Review status: criteria provided, single submitter. Criteria: ARUP Molecular Germline Variant Investigation Process 2024. Collection method: clinical testing. Allele origin: germline.

Labcorp Genetics (formerly Invitae), Labcorp
Classification: Likely benign for Ehlers-Danlos syndrome, hydroxylysine-deficient. Last evaluated: 2019-12-31. Review status: criteria provided, single submitter. Criteria: Invitae Variant Classification Sherloc (09022015). Collection method: clinical testing. Allele origin: germline.

Dr. Peter K. Rogan Lab, Western University
No classification provided (evidence only). Condition: Uveal melanoma. Review status: no classification provided. Collection method: in vitro. Allele origin: not applicable. Functional consequence: retained intron. Not counted in ClinVar's aggregate classification.